The following is an entry in ClinVar:

ClinVar aggregate classification (germline): Uncertain significance (1 of 4 stars; one submission).

gnomAD v4.1: 5 of 1,614,112 alleles (0.00031%); highest among the groups gnomAD compares: Non-Finnish European, 0.00042%; no homozygotes.

Submission:

Labcorp Genetics (formerly Invitae), Labcorp
Classification: Uncertain significance. Last evaluated: 2025-06-24. Review status: criteria provided, single submitter. Criteria: Invitae Variant Classification Sherloc (09022015). Collection method: clinical testing. Allele origin: germline.
Comment: This sequence change replaces glycine, which is neutral and non-polar, with arginine, which is basic and polar, at codon 758 of the MTOR protein (p.Gly758Arg). This variant is present in population databases (no rsID available, gnomAD 0.0009%). This variant has not been reported in the literature in individuals affected with MTOR-related conditions. Invitae Evidence Modeling of protein sequence and biophysical properties (such as structural, functional, and spatial information, amino acid conservation, physicochemical variation, residue mobility, and thermodynamic stability) indicates that this missense variant is not expected to disrupt MTOR protein function with a negative predictive value of 95%. In summary, the available evidence is currently insufficient to determine the role of this variant in disease. Therefore, it has been classified as a Variant of Uncertain Significance.

NM_004958.4(MTOR):c.2272G>A (p.Gly758Arg)

Gene: MTOR (mechanistic target of rapamycin kinase; minus strand). Cytogenetic location: 1p36.22.
Variant type: single nucleotide variant.
Coding change: c.2272G>A on transcript NM_004958.4 (MANE Select); coding-DNA position 2272, G replaced by A.
Protein change: p.Gly758Arg; replaces glycine 758 with arginine.
Molecular consequence: missense variant.
Genome position (GRCh38, 1-based): chr1:11,234,202, C>T on the plus strand (G>A on the coding strand, the complement: MTOR is on the minus strand). VCF-style: chr1-11234202-C-T. GRCh37 (hg19) VCF-style: chr1-11294259-C-T.
Other names: c.2272G>A, p.Gly758Arg (NM_001386500.1); c.1024G>A, p.Gly342Arg (NM_001386501.1); short protein forms G342R, G758R.
Identifiers: ClinVar variation 4805798 (VCV004805798.1).